The following is an entry in ClinVar:

ClinVar aggregate classification (germline): Conflicting classifications of pathogenicity. Review status: criteria provided, conflicting classifications (1 of 4 stars). 6 submissions from 6 submitters: Uncertain significance (1); Benign (1); Likely benign (2). 2 of the submissions do not count toward it. Last evaluated 2026-09-01.

Conditions:
Weill-Marchesani syndrome. Also called: WM Syndrome; Mesodermal dysmorphodystrophy congenital. Identifiers: Orphanet 3449, MedGen C0265313, MONDO:0018096.

Allele frequency attached by ClinVar (database versions not stated): 1000 Genomes Project 0.00040; 1000 Genomes Project 30x 0.00047; gnomAD 0.00061; gnomAD exomes 0.00064 and 0.00086; TOPMed 0.00071; ExAC 0.00079; ESP Exome Variant Server 0.00085.
gnomAD v4.1: 1,076 of 1,614,068 alleles (0.067%); highest among the groups gnomAD compares: Non-Finnish European, 0.071%; no homozygotes.

Submissions (6):

CeGaT Center for Human Genetics Tuebingen
Classification: Likely benign. Last evaluated: 2026-09-01. Review status: criteria provided, single submitter. Criteria: CeGaT Center For Human Genetics Tuebingen Variant Classification Criteria Version 2. Collection method: clinical testing. Allele origin: germline. Affected: yes. Observed: 4 variant alleles.
Comment: ADAMTS10: BP4, BP7

Labcorp Genetics (formerly Invitae), Labcorp
Classification: Benign. Last evaluated: 2026-01-27. Review status: criteria provided, single submitter. Criteria: Invitae Variant Classification Sherloc (09022015). Collection method: clinical testing. Allele origin: germline.

Blueprint Genetics
Classification: Likely benign. Last evaluated: 2024-11-11. Review status: criteria provided, single submitter. Criteria: ACMG Guidelines, 2015. Collection method: clinical testing. Allele origin: germline.

Illumina Laboratory Services, Illumina
Classification: Uncertain significance for Weill-Marchesani syndrome. Last evaluated: 2018-01-12. Review status: criteria provided, single submitter. Criteria: ICSL Variant Classification Criteria 13 December 2019. Collection method: clinical testing. Allele origin: germline.

Clinical Genetics DNA and cytogenetics Diagnostics Lab, Erasmus MC, Erasmus Medical Center
Classification: Likely benign. Review status: no assertion criteria provided. Collection method: clinical testing. Allele origin: germline. Affected: yes. Study: VKGL Data-share Consensus. Not counted in ClinVar's aggregate classification.

Genome Diagnostics Laboratory, Amsterdam University Medical Center
Classification: Likely benign. Review status: no assertion criteria provided. Collection method: clinical testing. Allele origin: germline. Affected: yes. Study: VKGL Data-share Consensus. Not counted in ClinVar's aggregate classification.

NM_030957.4(ADAMTS10):c.483G>A (p.Leu161=)

Gene: ADAMTS10 (ADAM metallopeptidase with thrombospondin type 1 motif 10; minus strand). Cytogenetic location: 19p13.2.
Variant type: single nucleotide variant.
Coding change: c.483G>A on transcript NM_030957.4 (MANE Select); coding-DNA position 483, G replaced by A.
Protein change: p.Leu161=; no amino-acid change (leucine 161 retained).
Molecular consequence: synonymous variant.
Genome position (GRCh38, 1-based): chr19:8,603,837, C>T on the plus strand (G>A on the coding strand, the complement: ADAMTS10 is on the minus strand). VCF-style: chr19-8603837-C-T. GRCh37 (hg19) VCF-style: chr19-8668721-C-T.
Identifiers: ClinVar variation 724133 (VCV000724133.35), dbSNP rs150055188, ClinGen allele CA9160820.